The following is an entry in ClinVar:

NM_001378454.1(ALMS1):c.3428C>T (p.Ser1143Phe)

Gene: ALMS1 (ALMS1 centrosome and basal body associated protein; plus strand). Cytogenetic location: 2p13.1.
Variant type: single nucleotide variant.
Coding change: c.3428C>T on transcript NM_001378454.1 (MANE Select); coding-DNA position 3428, C replaced by T.
Protein change: p.Ser1143Phe; replaces serine 1143 with phenylalanine.
Molecular consequence: missense variant.
Genome position (GRCh38, 1-based): chr2:73,449,955, C>T. VCF-style: chr2-73449955-C-T. GRCh37 (hg19) VCF-style: chr2-73677082-C-T.
Other names: c.3431C>T, p.Ser1144Phe (NM_015120.4); short protein forms S1143F, S1144F.
Identifiers: ClinVar variation 2105933 (VCV002105933.4), dbSNP rs2466098133, ClinGen allele CA347275620.

ClinVar aggregate classification (germline): Uncertain significance (1 of 4 stars; one submission).

Conditions:
Alstrom syndrome (ALMS). Identifiers: Orphanet 64, MedGen C0268425, MONDO:0008763, OMIM 203800.

Submission:

Labcorp Genetics (formerly Invitae), Labcorp
Classification: Uncertain significance for Alstrom syndrome. Last evaluated: 2022-03-03. Review status: criteria provided, single submitter. Criteria: Invitae Variant Classification Sherloc (09022015). Collection method: clinical testing. Allele origin: germline.
Comment: In summary, the available evidence is currently insufficient to determine the role of this variant in disease. Therefore, it has been classified as a Variant of Uncertain Significance. Experimental studies and prediction algorithms are not available or were not evaluated, and the functional significance of this variant is currently unknown. This variant has not been reported in the literature in individuals affected with ALMS1-related conditions. This variant is not present in population databases (gnomAD no frequency). This sequence change replaces serine, which is neutral and polar, with phenylalanine, which is neutral and non-polar, at codon 1144 of the ALMS1 protein (p.Ser1144Phe).